The following is an entry in ClinVar:

ClinVar aggregate classification (germline): Benign/Likely benign. Review status: criteria provided, multiple submitters, no conflicts (2 of 4 stars). 13 submissions from 13 submitters: Benign (4); Likely benign (7). 2 of the submissions do not count toward it. Last evaluated 2026-01-31.

Conditions:
CDKN2A-related disorder. Also called: CDKN2A-related condition.
Familial melanoma. Also called: Hereditary melanoma; Hereditary cutaneous melanoma. Identifiers: Orphanet 618, MedGen C1512419, MONDO:0018961.
Hereditary cancer-predisposing syndrome. Also called: Tumor predisposition; Neoplastic Syndromes, Hereditary; Hereditary neoplastic syndrome; Hereditary Cancer Syndrome. Identifiers: Orphanet 140162, MedGen C0027672, MeSH D009386, MONDO:0015356.
Melanoma-pancreatic cancer syndrome. Identifiers: Orphanet 404560, MedGen C1838547, MONDO:0011713, OMIM 606719. Disease mechanism: loss of function.

Allele frequency attached by ClinVar (database versions not stated): ExAC 0.00008; ESP Exome Variant Server 0.00008; gnomAD exomes 0.00011 and 0.00014; TOPMed 0.00011; gnomAD 0.00016.
gnomAD v4.1: 226 of 1,611,180 alleles (0.014%); highest among the groups gnomAD compares: Admixed American, 0.027%; no homozygotes.

Submissions (13):

Labcorp Genetics (formerly Invitae), Labcorp
Classification: Likely benign for Familial melanoma. Last evaluated: 2026-01-31. Review status: criteria provided, single submitter. Criteria: Invitae Variant Classification Sherloc (09022015). Collection method: clinical testing. Allele origin: germline.

Center for Genomic Medicine, Rigshospitalet, Copenhagen University Hospital
Classification: Likely benign. Last evaluated: 2025-03-04. Review status: criteria provided, single submitter. Criteria: ACMG Guidelines, 2015. Collection method: clinical testing. Allele origin: germline.

Blueprint Genetics
Classification: Likely benign. Last evaluated: 2024-08-19. Review status: criteria provided, single submitter. Criteria: ACMG Guidelines, 2015. Collection method: clinical testing. Allele origin: germline.

Myriad Genetics, Inc.
Classification: Benign for Melanoma-pancreatic cancer syndrome. Last evaluated: 2023-04-20. Review status: criteria provided, single submitter. Criteria: Myriad Autosomal Dominant, Autosomal Recessive and X-Linked Classification Criteria (2023). Collection method: clinical testing. Allele origin: unknown.
Comment: This variant is considered benign. This variant is a silent/synonymous amino acid change and it is not expected to impact splicing.

Quest Diagnostics Nichols Institute San Juan Capistrano
Classification: Benign. Last evaluated: 2022-01-18. Review status: criteria provided, single submitter. Criteria: Quest Diagnostics criteria. Collection method: clinical testing. Allele origin: unknown.

Sema4
Classification: Likely benign for Hereditary cancer-predisposing syndrome. Last evaluated: 2021-11-22. Review status: criteria provided, single submitter. Criteria: Sema4 Curation Guidelines. Collection method: curation. Allele origin: germline.

Mendelics
Classification: Likely benign for Melanoma-pancreatic cancer syndrome. Last evaluated: 2019-05-28. Review status: criteria provided, single submitter. Criteria: Mendelics Assertion Criteria 2017. Collection method: clinical testing. Allele origin: unknown.

Women's Health and Genetics/Laboratory Corporation of America, LabCorp
Classification: Benign. Last evaluated: 2019-04-01. Review status: criteria provided, single submitter. Criteria: LabCorp Variant Classification Summary - May 2015. Collection method: clinical testing. Allele origin: germline.
Comment: Variant summary: CDKN2A c.384G>A alters a non-conserved nucleotide resulting in a synonymous change. 3/5 computational tools predict the variant weakens a potential cryptic 5' donor site located within the exon. However, this is not expected to significantly impact splicing and these predictions have yet to be confirmed by functional studies. The variant allele was found at a frequency of 0.00011 in 272620 control chromosomes, predominantly at a frequency of 0.00038 within the Latino subpopulation in the gnomAD database. The observed variant frequency within Latino control individuals in the gnomAD database is approximately equal to the estimated maximal expected allele frequency for a pathogenic variant in CDKN2A causing Cutaneous Malignant Melanoma phenotype (0.0003), strongly suggesting that the variant is a benign polymorphism found primarily in populations of Latino origin. c.384G>A has been reported in the literature in affected individuals (Orlow_2007, Landi_2004). These reports do not provide unequivocal conclusions about association of the variant with Cutaneous Malignant Melanoma. A co-occurrence with a pathogenic variant has been reported in our internal database (BRCA2 c.5576_5579delTTAA, p.I1859fs*3), providing supporting evidence for a benign role. To our knowledge, no experimental evidence demonstrating an impact on protein function has been reported. Four ClinVar submissions from clinical diagnostic laboratories (evaluation after 2014) cite the variant as benign (1x) and likely benign (3x). Based on the evidence outlined above, the variant was classified as benign.

Color Diagnostics, LLC DBA Color Health
Classification: Likely benign for Hereditary cancer-predisposing syndrome. Last evaluated: 2016-03-21. Review status: criteria provided, single submitter. Criteria: ACMG Guidelines, 2015. Collection method: clinical testing. Allele origin: germline.

GeneDx
Classification: Benign. Last evaluated: 2015-03-03. Review status: criteria provided, single submitter. Criteria: GeneDx Variant Classification Process June 2021. Collection method: clinical testing. Allele origin: germline. Affected: yes.

Ambry Genetics
Classification: Likely benign for Hereditary cancer-predisposing syndrome. Last evaluated: 2014-10-13. Review status: criteria provided, single submitter. Criteria: Ambry Variant Classification Scheme 2023. Collection method: clinical testing. Allele origin: germline.

PreventionGenetics, part of Exact Sciences
Classification: Likely benign for CDKN2A-related condition. Last evaluated: 2024-05-25. Review status: no assertion criteria provided. Collection method: clinical testing. Allele origin: germline. Not counted in ClinVar's aggregate classification.
Comment: This variant is classified as likely benign based on ACMG/AMP sequence variant interpretation guidelines (Richards et al. 2015 PMID: 25741868, with internal and published modifications).

Counsyl
Classification: Likely benign for Melanoma-pancreatic cancer syndrome. Last evaluated: 2016-10-05. Review status: no assertion criteria provided. Collection method: clinical testing. Allele origin: unknown. Not counted in ClinVar's aggregate classification.

Literature cited by the submitters: PubMed 25780468 (cited by 3 submitters); PubMed 26104880 (cited by Quest Diagnostics Nichols Institute San Juan Capistrano); PubMed 15235029 (cited by 3 submitters); PubMed 17218939 (cited by 3 submitters); PubMed 18335566 (cited by Quest Diagnostics Nichols Institute San Juan Capistrano).

NM_000077.5(CDKN2A):c.384G>A (p.Arg128=)

Gene: CDKN2A (cyclin dependent kinase inhibitor 2A; minus strand). Cytogenetic location: 9p21.3.
Variant type: single nucleotide variant.
Coding change: c.384G>A on transcript NM_000077.5; coding-DNA position 384, G replaced by A.
Protein change: p.Arg128=; no amino-acid change (arginine 128 retained).
Molecular consequence: synonymous variant (on NM_000077.6). On other transcripts: 3 prime UTR variant (2).
Genome position (GRCh38, 1-based): chr9:21,970,975, C>T on the plus strand (G>A on the coding strand, the complement: CDKN2A is on the minus strand). VCF-style: chr9-21970975-C-T. GRCh37 (hg19) VCF-style: chr9-21970974-C-T.
Other names: c.384G>A, p.Arg128= (NM_000077.6, NM_001195132.2); c.231G>A, p.Arg77= (NM_001363763.2); c.*28G>A (NM_058195.4); c.*307G>A (NM_058197.5).
Identifiers: ClinVar variation 184241 (VCV000184241.32), dbSNP rs199901898, ClinGen allele CA188331.